The following is an entry in ClinVar:

ClinVar aggregate classification (germline): Pathogenic (1 of 4 stars; one submission).

Conditions:
Lynch syndrome 5 (LYNCH5). Also called: Colorectal cancer, hereditary nonpolyposis, type 5; Hereditary non-polyposis colorectal cancer, type 5. Identifiers: Orphanet 144, MedGen C1833477, MONDO:0013710, OMIM 614350. Disease mechanism: loss of function.

Submission:

Myriad Genetics, Inc.
Classification: Pathogenic for Lynch syndrome 5. Last evaluated: 2025-12-08. Review status: criteria provided, single submitter. Criteria: Myriad Autosomal Dominant, Autosomal Recessive and X-Linked Classification Criteria (2023). Collection method: clinical testing. Allele origin: unknown.
Comment: This variant is considered pathogenic. This variant creates a frameshift predicted to result in premature protein truncation.

NM_000179.3(MSH6):c.1306dup (p.Tyr436fs)

Gene: MSH6 (mutS homolog 6; plus strand). Cytogenetic location: 2p16.3.
Variant type: Duplication.
Coding change: c.1306dup on transcript NM_000179.3 (MANE Select); coding-DNA position 1306, one base duplicated (T; older notation c.1306dupT).
Protein change: p.Tyr436fs; shifts the reading frame from tyrosine 436.
Molecular consequence: frameshift variant. On other transcripts: non-coding transcript variant (4), intron variant (1).
Genome position (GRCh38, 1-based): chr2:47,799,289, T duplicated. VCF-style (leftmost placement, unchanged base first): chr2-47799288-G-GT. GRCh37 (hg19) VCF-style: chr2-48026427-G-GT.
Other names: c.1009dup, p.Tyr337fs (NM_001406825.1, NM_001406827.1, NM_001406828.1 and 10 more transcripts); c.1138dup, p.Tyr380fs (NM_001406826.1); c.400dup, p.Tyr134fs (NM_001406829.1, NM_001406816.1, NM_001406823.1 and 6 more transcripts); c.628-1377dup (NM_001407362.1); c.1306dup, p.Tyr436fs (NM_001406817.1, NM_001406809.1, NM_001406796.1 and 4 more transcripts); c.1312dup, p.Tyr438fs (NM_001406813.1); c.916dup, p.Tyr306fs (NM_001281492.2); c.1402dup, p.Tyr468fs (NM_001406795.1, NM_001406802.1); and 2 more; short protein forms Y134fs, Y261fs, Y306fs, Y337fs, Y380fs, Y410fs, Y436fs, Y438fs.
Identifiers: ClinVar variation 4813009 (VCV004813009.1).